The following is an entry in ClinVar:

NM_000334.4(SCN4A):c.4342C>T (p.Arg1448Cys)

Genes: GH-LCR (growth hormone locus control region; plus strand), SCN4A (sodium voltage-gated channel alpha subunit 4; minus strand). Cytogenetic location: 17q23.3.
Variant type: single nucleotide variant.
Coding change: c.4342C>T on transcript NM_000334.4 (MANE Select); coding-DNA position 4342, C replaced by T.
Protein change: p.Arg1448Cys; replaces arginine 1448 with cysteine.
Molecular consequence: missense variant.
Genome position (GRCh38, 1-based): chr17:63,941,940, G>A on the plus strand (C>T on the coding strand, the complement: SCN4A is on the minus strand). VCF-style: chr17-63941940-G-A. GRCh37 (hg19) VCF-style: chr17-62019300-G-A.
Other names: short protein forms R1448C.
Identifiers: ClinVar variation 5898 (VCV000005898.58), dbSNP rs121908544, ClinGen allele CA117835.

ClinVar aggregate classification (germline): Pathogenic. Review status: criteria provided, multiple submitters, no conflicts (2 of 4 stars). 10 submissions from 10 submitters: Pathogenic (8). 2 of the submissions do not count toward it. Last evaluated 2026-02-03.

Conditions:
SCN4A-related disorder. Also called: SCN4A-related disorders.
Paramyotonia congenita of Von Eulenburg. Also called: Eulenburg disease; Myotonia congenita intermittens; Von Eulenburg paramyotonia congenita; Paramyotonia Congenita; PARALYSIS PERIODICA PARAMYOTONICA. Identifiers: Orphanet 684, MedGen C0221055, MONDO:0008195, OMIM 168300. Disease mechanism: loss of function.
Hyperkalemic periodic paralysis. Also called: Gamstorp disease; Familial hyperkalemic periodic paralysis. Identifiers: Orphanet 682, MedGen C0238357, MONDO:0008224, OMIM 170500, HP:0007215.
Hypokalemic periodic paralysis, type 2 (HOKPP2). Identifiers: Orphanet 681, MedGen C2750061, MONDO:0013234, OMIM 613345.

Allele frequency attached by ClinVar (database versions not stated): gnomAD exomes below 0.00001.
gnomAD v4.1: 1 of 1,604,186 alleles (0.000062%); highest among the groups gnomAD compares: Non-Finnish European, 0.000085%; no homozygotes.

Submissions (10):

Labcorp Genetics (formerly Invitae), Labcorp
Classification: Pathogenic for Hyperkalemic periodic paralysis. Last evaluated: 2026-02-03. Review status: criteria provided, single submitter. Criteria: Invitae Variant Classification Sherloc (09022015). Collection method: clinical testing. Allele origin: germline.
Comment: This sequence change replaces arginine, which is basic and polar, with cysteine, which is neutral and slightly polar, at codon 1448 of the SCN4A protein (p.Arg1448Cys). This variant is not present in population databases (gnomAD no frequency). This missense change has been observed in individuals with autosomal dominant paramyotonia congenita (PMID: 1316765, 8005599, 16801039). It has also been observed to segregate with disease in related individuals. ClinVar contains an entry for this variant (Variation ID: 5898). Invitae Evidence Modeling of protein sequence and biophysical properties (such as structural, functional, and spatial information, amino acid conservation, physicochemical variation, residue mobility, and thermodynamic stability) indicates that this missense variant is expected to disrupt SCN4A protein function with a positive predictive value of 95%. Experimental studies have shown that this missense change affects SCN4A function (PMID: 7809121, 8110459, 21490317). This variant disrupts the p.Arg1448 amino acid residue in SCN4A. Other variant(s) that disrupt this residue have been determined to be pathogenic (PMID: 1316765, 8005599, 8110459). This suggests that this residue is clinically significant, and that variants that disrupt this residue are likely to be disease-causing. For these reasons, this variant has been classified as Pathogenic.

Foundation for Research in Genetics and Endocrinology, FRIGE's Institute of Human Genetics
Classification: Pathogenic for Hypokalemic periodic paralysis, type 2. Last evaluated: 2024-04-01. Review status: criteria provided, single submitter. Criteria: ACMG Guidelines, 2015. Collection method: clinical testing. Allele origin: germline. Inheritance: Autosomal dominant inheritance. Affected: yes. Observed: 1 heterozygote.
Comment: A heterozygous missense variant in exon 24 of the SCN4A gene that results in the amino acid substitution of Cysteine for Arginine at codon 1448 (p.Arg1448Cys) was detected. The observed variant has previously been reported in patients in affected with SCN4A related conditions [PMID:16801039]. The variant has not been reported in the 1000 genomes, gnomAD (v3.1), gnomdAD (v2.1) and topmed databases. The in-silico prediction of the variant are damaging by PolyPhen-2 (HumDiv), SIFT, LRT and MutationTaster2. The reference codon is conserved across species. In summary, the variant meets our criteria to be classified as pathogenic.

Athena Diagnostics
Classification: Pathogenic. Last evaluated: 2023-06-16. Review status: criteria provided, single submitter. Criteria: Athena Diagnostics Criteria. Collection method: clinical testing. Allele origin: unknown.
Comment: This variant has been identified in multiple individuals with paramyotonia congenita and has been shown to associate with paramyotonia congenita in multiple families. This variant has not been reported in large, multi-ethnic general populations. At least one other missense variant at this codon is considered to be pathogenic or likely pathogenic, suggesting this variant may also cause disease. Assessment of experimental evidence suggests this variant results in abnormal protein function. Cells expressing this variant showed slower current inactivation, faster recovery from inactivation and increased persistent current when compared to WT (PMID: 7809121, 8833340, 21317558). The variant is located in a region that is considered important for protein function and/or structure.

CeGaT Center for Human Genetics Tuebingen
Classification: Pathogenic. Last evaluated: 2022-07-01. Review status: criteria provided, single submitter. Criteria: CeGaT Center For Human Genetics Tuebingen Variant Classification Criteria Version 2. Collection method: clinical testing. Allele origin: germline. Affected: yes. Observed: 1 variant allele.
Comment: SCN4A: PP1:Strong, PM1, PM2, PM5, PS4:Moderate, PP3, PP4

GeneDx
Classification: Pathogenic. Last evaluated: 2021-09-20. Review status: criteria provided, single submitter. Criteria: GeneDx Variant Classification Process June 2021. Collection method: clinical testing. Allele origin: germline. Affected: yes.
Comment: Reported in the heterozygous state in multiple unrelated families with paramyotonia congenita (Ptacek et al., 1992; Meyer-Kleine et al., 1994); Functional studies indicated that R1448C impacts the channel inactivation in vitro (Chahine et al., 1994; Yang et al., 1994); Not observed at significant frequency in large population cohorts (Lek et al., 2016); In silico analysis supports that this missense variant has a deleterious effect on protein structure/function; This variant is associated with the following publications: (PMID: 16801039, 8005599, 18166706, 21490317, 26036855, 23417379, 27199537, 12483017, 12552059, 7809121, 30028520, 30930557, 31544778, 32849172, 26484179, 20301669, 32660787, 1316765, 8110459)

Blueprint Genetics
Classification: Pathogenic for SCN4A-related disorders. Last evaluated: 2020-12-01. Review status: criteria provided, single submitter. Criteria: ACMG Guidelines, 2015. Collection method: clinical testing. Allele origin: germline. Affected: yes. Observed: 3 variant alleles.

Eurofins Ntd Llc (ga)
Classification: Pathogenic. Last evaluated: 2016-04-06. Review status: criteria provided, single submitter. Criteria: EGL Classification Definitions 2015. Collection method: clinical testing. Allele origin: germline. Observed: 3 variant alleles, 3 heterozygotes.

Clinical Genetics Service, Universitary Hospital 12 de Octubre
Classification: Pathogenic for Paramyotonia congenita of Von Eulenburg. Review status: criteria provided, single submitter. Criteria: ACMG Guidelines, 2015. Collection method: clinical testing. Allele origin: germline. Affected: yes.

OMIM
Classification: Pathogenic for PARAMYOTONIA CONGENITA. Last evaluated: 1992-05-01. Review status: no assertion criteria provided. Collection method: literature only. Allele origin: germline. Not counted in ClinVar's aggregate classification.

GeneReviews
No classification provided. Condition: Hyperkalemic periodic paralysis. Review status: no classification provided. Collection method: literature only. Allele origin: germline. Not counted in ClinVar's aggregate classification.

Literature cited by the submitters: PubMed 1316765 (cited by 3 submitters); PubMed 8005599 (cited by Labcorp Genetics (formerly Invitae), Labcorp and Athena Diagnostics); PubMed 16801039 (cited by Labcorp Genetics (formerly Invitae), Labcorp and Athena Diagnostics); PubMed 7809121 (cited by Labcorp Genetics (formerly Invitae), Labcorp and Athena Diagnostics); PubMed 8110459 (cited by Labcorp Genetics (formerly Invitae), Labcorp); PubMed 21490317 (cited by Labcorp Genetics (formerly Invitae), Labcorp and Athena Diagnostics); PubMed 15318338 (cited by Athena Diagnostics); PubMed 32849172 (cited by Athena Diagnostics); PubMed 32660787 (cited by Athena Diagnostics); PubMed 33263785 (cited by Athena Diagnostics); PubMed 21317558 (cited by Athena Diagnostics); PubMed 8833340 (cited by Athena Diagnostics); PubMed 12552059 (cited by Athena Diagnostics); PubMed 12483017 (cited by Athena Diagnostics); PubMed 30028520 (cited by Athena Diagnostics and GeneReviews); PubMed 26036855 (cited by Athena Diagnostics); PubMed 27199537 (cited by Athena Diagnostics); PubMed 26484179 (cited by Athena Diagnostics); PubMed 23417379 (cited by Athena Diagnostics); PubMed 20301669 (cited by GeneReviews).